The following is an entry in ClinVar:

NM_017534.6(MYH2):c.1360C>A (p.Gln454Lys)

Genes: MYH2 (myosin heavy chain 2; minus strand), MYHAS (myosin heavy chain gene cluster antisense RNA; plus strand). Cytogenetic location: 17p13.1.
Variant type: single nucleotide variant.
Coding change: c.1360C>A on transcript NM_017534.6 (MANE Select); coding-DNA position 1360, C replaced by A.
Protein change: p.Gln454Lys; replaces glutamine 454 with lysine.
Molecular consequence: missense variant.
Genome position (GRCh38, 1-based): chr17:10,539,261, G>T on the plus strand (C>A on the coding strand, the complement: MYH2 is on the minus strand). VCF-style: chr17-10539261-G-T. GRCh37 (hg19) VCF-style: chr17-10442578-G-T.
Other names: c.1360C>A, p.Gln454Lys (NM_001100112.2); c.1360C>A (NM_017534.5); short protein forms Q454K.
Identifiers: ClinVar variation 2184238 (VCV002184238.5), dbSNP rs895972095, ClinGen allele CA287745084.
Genomic context (GRCh38, chr17:10,539,261, plus strand): 5'-TCACATCAAAAATCTCAAAACCAGCAATGTCCAAGACCCCGATGAAGTACTGCCTGGGCT[G>T]CTTGGTGTCCAGCTGCTGGTTGATGCGGGCAACCATCCACAGGAACATCTTCTCGTAGAC-3'
Protein context (NP_060004.3, residues 444-464): ARINQQLDTK[Gln454Lys]PRQYFIGVLD

ClinVar aggregate classification (germline): Uncertain significance. Review status: criteria provided, multiple submitters, no conflicts (2 of 4 stars). 2 submissions from 2 submitters: Uncertain significance (2). Last evaluated 2025-10-23.

Conditions:
Inborn genetic diseases. Identifiers: MedGen C0950123, MeSH D030342.
Myopathy, proximal, and ophthalmoplegia (CMYO6). Also called: CONGENITAL MYOPATHY 6 WITH OPHTHALMOPLEGIA; INCLUSION BODY MYOPATHY 3, AUTOSOMAL DOMINANT; MYOPATHY WITH CONGENITAL JOINT CONTRACTURES, OPHTHALMOPLEGIA, AND RIMMED VACUOLES. Identifiers: Orphanet 363677, Orphanet 79091, MedGen C1854106, MONDO:0011577, OMIM 605637.

Allele frequency attached by ClinVar (database versions not stated): gnomAD exomes below 0.00001; gnomAD 0.00002; TOPMed 0.00002.
gnomAD v4.1: 8 of 1,614,086 alleles (0.0005%); highest among the groups gnomAD compares: African/African-American, 0.0013%; no homozygotes.

Submissions (2):

Ambry Genetics
Classification: Uncertain significance for Inborn genetic diseases. Last evaluated: 2025-10-23. Review status: criteria provided, single submitter. Criteria: Ambry Variant Classification Scheme 2023. Collection method: clinical testing. Allele origin: germline.

Labcorp Genetics (formerly Invitae), Labcorp
Classification: Uncertain significance for Myopathy, proximal, and ophthalmoplegia. Last evaluated: 2025-01-29. Review status: criteria provided, single submitter. Criteria: Invitae Variant Classification Sherloc (09022015). Collection method: clinical testing. Allele origin: germline.
Comment: This sequence change replaces glutamine, which is neutral and polar, with lysine, which is basic and polar, at codon 454 of the MYH2 protein (p.Gln454Lys). This variant is present in population databases (no rsID available, gnomAD 0.007%). This variant has not been reported in the literature in individuals affected with MYH2-related conditions. ClinVar contains an entry for this variant (Variation ID: 2184238). Invitae Evidence Modeling of protein sequence and biophysical properties (such as structural, functional, and spatial information, amino acid conservation, physicochemical variation, residue mobility, and thermodynamic stability) indicates that this missense variant is not expected to disrupt MYH2 protein function with a negative predictive value of 80%. In summary, the available evidence is currently insufficient to determine the role of this variant in disease. Therefore, it has been classified as a Variant of Uncertain Significance.